The following is an entry in ClinVar:

ClinVar aggregate classification (germline): Pathogenic (1 of 4 stars; one submission).

Conditions:
Biotinidase deficiency. Also called: BTD deficiency; Late-onset biotin-responsive multiple carboxylase deficiency; Biotin deficiency. Identifiers: Orphanet 79241, MedGen C0220754, MONDO:0009665, OMIM 253260.

Submission:

Labcorp Genetics (formerly Invitae), Labcorp
Classification: Pathogenic for Biotinidase deficiency. Last evaluated: 2024-01-15. Review status: criteria provided, single submitter. Criteria: Invitae Variant Classification Sherloc (09022015). Collection method: clinical testing. Allele origin: germline.
Comment: This variant is a gross deletion of the genomic region encompassing exon(s) 1 of the BTD gene, which includes the initiator codon. This deletion extends beyond the assayed region for this gene and therefore may encompass additional genes. It is expected to result in an absent or disrupted protein product. Loss-of-function variants in BTD are known to be pathogenic (PMID: 20083419). This variant has not been reported in the literature in individuals affected with BTD-related conditions. For these reasons, this variant has been classified as Pathogenic.

Literature cited by the submitters: PubMed 20083419.

NC_000003.11:g.(?_15643358)_(15643421_?)del

Gene: BTD (biotinidase; plus strand). Cytogenetic location: 3p25.1.
Variant type: Deletion.
Identifiers: ClinVar variation 1408008 (VCV001408008.6).